The following is an entry in ClinVar:

ClinVar aggregate classification (germline): Uncertain significance (1 of 4 stars; one submission).

gnomAD v4.1: 1 of 1,614,178 alleles (0.000062%); highest among the groups gnomAD compares: Non-Finnish European, 0.000085%; no homozygotes.

Submission:

Ambry Genetics
Classification: Uncertain significance. Last evaluated: 2025-11-08. Review status: criteria provided, single submitter. Criteria: Ambry Variant Classification Scheme 2023. Collection method: clinical testing. Allele origin: germline.
Comment: The c.2075T>C (p.M692T) alteration is located in exon 16 (coding exon 16) of the GARS gene. This alteration results from a T to C substitution at nucleotide position 2075, causing the methionine (M) at amino acid position 692 to be replaced by a threonine (T). Based on data from gnomAD, the C allele has an overall frequency of <0.001% (1/249572) total alleles studied. The highest observed frequency was 0.001% (1/113284) of European (non-Finnish) alleles. Based on insufficient or conflicting evidence, the clinical significance of this alteration remains unclear.

NM_002047.4(GARS1):c.2075T>C (p.Met692Thr)

Gene: GARS1 (glycyl-tRNA synthetase 1; plus strand). Cytogenetic location: 7p14.3.
Variant type: single nucleotide variant.
Coding change: c.2075T>C on transcript NM_002047.4 (MANE Select); coding-DNA position 2075, T replaced by C.
Protein change: p.Met692Thr; replaces methionine 692 with threonine.
Molecular consequence: missense variant.
Genome position (GRCh38, 1-based): chr7:30,632,418, T>C. VCF-style: chr7-30632418-T-C. GRCh37 (hg19) VCF-style: chr7-30672034-T-C.
Other names: c.1913T>C, p.Met638Thr (NM_001316772.1); short protein forms M638T, M692T.
Identifiers: ClinVar variation 4670893 (VCV004670893.1).